The following is an entry in ClinVar:

NC_000020.10:g.(?_62044566)_(62046452_?)del

Gene: KCNQ2 (potassium voltage-gated channel subfamily Q member 2; minus strand). Cytogenetic location: 20q13.33.
Variant type: Deletion.
Identifiers: ClinVar variation 1460315 (VCV001460315.6).

ClinVar aggregate classification (germline): Pathogenic (1 of 4 stars; one submission).

Conditions:
Developmental and epileptic encephalopathy. Identifiers: MedGen C5779964, MONDO:0100620.

Submission:

Labcorp Genetics (formerly Invitae), Labcorp
Classification: Pathogenic for Early-infantile DEE. Last evaluated: 2023-07-07. Review status: criteria provided, single submitter. Criteria: Invitae Variant Classification Sherloc (09022015). Collection method: clinical testing. Allele origin: germline.
Comment: For these reasons, this variant has been classified as Pathogenic. This variant disrupts a region of the KCNQ2 protein in which other variant(s) (p.Val543Met) have been determined to be pathogenic (PMID: 28399683, 29056246, 31199083; Invitae). This suggests that this is a clinically significant region of the protein, and that variants that disrupt it are likely to be disease-causing. This variant has not been reported in the literature in individuals affected with KCNQ2-related conditions. This variant results in the deletion of part of exon 13 and exons 14-15 (c.1329_1763+237del) of the KCNQ2 gene. It is expected to disrupt RNA splicing. Variants that disrupt the donor or acceptor splice site typically lead to a loss of protein function (PMID: 16199547), and loss-of-function variants in KCNQ2 are known to be pathogenic (PMID: 14534157, 23692823, 27779742).

Literature cited by the submitters: PubMed 28399683; PubMed 29056246; PubMed 31199083; PubMed 16199547; PubMed 14534157; PubMed 23692823; PubMed 27779742.